The following is an entry in ClinVar:

ClinVar aggregate classification (germline): Uncertain significance (1 of 4 stars; one submission).

Submission:

ARUP Laboratories, Molecular Genetics and Genomics, ARUP Laboratories
Classification: Uncertain significance. Last evaluated: 2024-09-30. Review status: criteria provided, single submitter. Criteria: ARUP Molecular Germline Variant Investigation Process 2024. Collection method: clinical testing. Allele origin: germline.
Comment: The CUBN c.3924G>C; p.Trp1308Cys variant, to our knowledge, is not reported in the medical literature or gene specific databases. This variant is also absent from the Genome Aggregation Database (v2.1.1), indicating it is not a common polymorphism. Computational analyses are uncertain whether this variant is neutral or deleterious (REVEL: 0.463). Due to limited information, the clinical significance of this variant is uncertain at this time.

NM_001081.4(CUBN):c.3924G>C (p.Trp1308Cys)

Gene: CUBN (cubilin; minus strand). Cytogenetic location: 10p13.
Variant type: single nucleotide variant.
Coding change: c.3924G>C on transcript NM_001081.4 (MANE Select); coding-DNA position 3924, G replaced by C.
Protein change: p.Trp1308Cys; replaces tryptophan 1308 with cysteine.
Molecular consequence: missense variant.
Genome position (GRCh38, 1-based): chr10:17,041,126, C>G on the plus strand (G>C on the coding strand, the complement: CUBN is on the minus strand). VCF-style: chr10-17041126-C-G. GRCh37 (hg19) VCF-style: chr10-17083125-C-G.
Other names: short protein forms W1308C.
Identifiers: ClinVar variation 3766860 (VCV003766860.1).
Genomic context (GRCh38, chr10:17,041,126, plus strand): 5'-TTCCAAGTCAAATGCTAAAAATGTGTAGTTCACAGTGTTGCCTGTTGTTGCCCGGATGGT[C>G]CAGTTGCAATGCTGATTTTCAGAATAAGGATTCGGATACCCTATACTCTCTAAGATGCCA-3'
Protein context (NP_001072.2, residues 1298-1318): NPYSENQHCN[Trp1308Cys]TIRATTGNTV